The following is an entry in ClinVar:

NM_017777.4(MKS1):c.180G>A (p.Gln60=)

Gene: MKS1 (MKS transition zone complex subunit 1; minus strand). Cytogenetic location: 17q22.
Variant type: single nucleotide variant.
Coding change: c.180G>A on transcript NM_017777.4 (MANE Select); coding-DNA position 180, G replaced by A.
Protein change: p.Gln60=; no amino-acid change (glutamine 60 retained).
Molecular consequence: synonymous variant. On other transcripts: 5 prime UTR variant (1).
Genome position (GRCh38, 1-based): chr17:58,218,630, C>T on the plus strand (G>A on the coding strand, the complement: MKS1 is on the minus strand). VCF-style: chr17-58218630-C-T. GRCh37 (hg19) VCF-style: chr17-56295991-C-T.
Other names: c.180G>A (NM_017777.3); c.-332G>A (NM_001321268.2); c.180G>A, p.Gln60= (NM_001321269.2, NM_001330397.2).
Identifiers: ClinVar variation 1160797 (VCV001160797.11), dbSNP rs1008086525, ClinGen allele CA292016302.
Genomic context (GRCh38, chr17:58,218,630, plus strand): 5'-ATTAGTATCATAATTAGTATTAGATGGCACATCACCACCGTAACACCCACTGGCAGTTGG[C>T]TGAGGCCTAAAAGTGGCCAAGTCTATGAGGTCCTTCCCGAGCTCGGCAGCAGGCTGATAA-3'
Protein context (NP_060247.2, residues 50-70): DLIDLATFRP[Gln60=]PTASGHRPEE

ClinVar aggregate classification (germline): Likely benign. Review status: criteria provided, multiple submitters, no conflicts (2 of 4 stars). 3 submissions from 3 submitters: Likely benign (3). Last evaluated 2024-10-10.

Conditions:
Joubert syndrome. Also called: JOUBERT-BOLTSHAUSER SYNDROME; Familial aplasia of the vermis. Identifiers: Orphanet 475, MedGen C5979921, MONDO:0018772.
Meckel-Gruber syndrome. Also called: DYSENCEPHALIA SPLANCHNOCYSTICA; GRUBER SYNDROME; Dysencephalia splachnocystica. Identifiers: Orphanet 564, MedGen C0265215, MONDO:0018921.
MKS1-related disorder. Also called: MKS1-related condition; MKS1-related disorders. Identifiers: MedGen CN239382.

Allele frequency attached by ClinVar (database versions not stated): gnomAD 0.00001; TOPMed 0.00001.

Submissions (3):

PreventionGenetics, part of Exact Sciences
Classification: Likely benign for MKS1-related condition. Last evaluated: 2024-10-10. Review status: criteria provided, single submitter. Criteria: ACMG Guidelines, 2015. Collection method: clinical testing. Allele origin: germline.
Comment: This variant is classified as likely benign based on ACMG/AMP sequence variant interpretation guidelines (Richards et al. 2015 PMID: 25741868, with internal and published modifications).

Labcorp Genetics (formerly Invitae), Labcorp
Classification: Likely benign for Joubert syndrome; Meckel-Gruber syndrome. Last evaluated: 2024-06-10. Review status: criteria provided, single submitter. Criteria: Invitae Variant Classification Sherloc (09022015). Collection method: clinical testing. Allele origin: germline.

Breakthrough Genomics
Classification: Likely benign. Review status: criteria provided, single submitter. Criteria: ACMG Guidelines, 2015. Collection method: not provided. Allele origin: germline. Inheritance: Autosomal recessive inheritance. Affected: yes.